The following is an entry in ClinVar:

ClinVar aggregate classification (germline): Pathogenic (1 of 4 stars; one submission).

Submission:

Labcorp Genetics (formerly Invitae), Labcorp
Classification: Pathogenic. Last evaluated: 2023-11-24. Review status: criteria provided, single submitter. Criteria: Invitae Variant Classification Sherloc (09022015). Collection method: clinical testing. Allele origin: germline.
Comment: This sequence change affects the initiator methionine of the LSS mRNA. The next in-frame methionine is located at codon 81. This variant is not present in population databases (gnomAD no frequency). Disruption of the initiator codon has been observed in individual(s) with clinical features of LSS-related disorders (PMID: 35413293; Invitae). It has also been observed to segregate with disease in related individuals. Studies have shown that disruption of the initiator codon alters LSS gene expression (PMID: 35413293). This variant disrupts a region of the LSS protein in which other variant(s) (p.Tyr14Cys) have been observed in individuals with LSS-related conditions (PMID: 30723320). This suggests that this is a clinically significant region of the protein, and that variants that disrupt it are likely to be disease-causing. For these reasons, this variant has been classified as Pathogenic.

Literature cited by the submitters: PubMed 35413293; PubMed 30723320.

NM_002340.6(LSS):c.3G>C (p.Met1Ile)

Genes: LSS (lanosterol synthase; minus strand), LOC130066869 (ATAC-STARR-seq lymphoblastoid silent region 13414; plus strand). Cytogenetic location: 21q22.3.
Variant type: single nucleotide variant.
Coding change: c.3G>C on transcript NM_002340.6 (MANE Select); coding-DNA position 3, G replaced by C.
Protein change: p.Met1Ile; changes the start codon (methionine 1).
Molecular consequence: missense variant, initiator codon variant. On other transcripts: 5 prime UTR variant (1).
Genome position (GRCh38, 1-based): chr21:46,228,743, C>G on the plus strand (G>C on the coding strand, the complement: LSS is on the minus strand). VCF-style: chr21-46228743-C-G. GRCh37 (hg19) VCF-style: chr21-47648657-C-G.
Other names: c.3G>C, p.Met1Ile (NM_001001438.3, NM_001145436.2); c.-370G>C (NM_001145437.2); short protein forms M1I.
Identifiers: ClinVar variation 2861309 (VCV002861309.3), dbSNP rs753714824, ClinGen allele CA410529904.